The following is an entry in ClinVar:

NM_000137.4(FAH):c.392G>A (p.Arg131Gln)

Gene: FAH (fumarylacetoacetate hydrolase; plus strand). Cytogenetic location: 15q25.1.
Variant type: single nucleotide variant.
Coding change: c.392G>A on transcript NM_000137.4 (MANE Select); coding-DNA position 392, G replaced by A.
Protein change: p.Arg131Gln; replaces arginine 131 with glutamine.
Molecular consequence: missense variant.
Genome position (GRCh38, 1-based): chr15:80,162,273, G>A. VCF-style: chr15-80162273-G-A. GRCh37 (hg19) VCF-style: chr15-80454615-G-A.
Other names: c.392G>A, p.Arg131Gln (NM_001374377.1, NM_001374380.1); short protein forms R131Q.
Identifiers: ClinVar variation 3511434 (VCV003511434.2).

ClinVar aggregate classification (germline): Uncertain significance. Review status: criteria provided, multiple submitters, no conflicts (2 of 4 stars). 2 submissions from 2 submitters: Uncertain significance (2). Last evaluated 2026-01-28.

Conditions:
Inborn genetic diseases. Identifiers: MedGen C0950123, MeSH D030342.

gnomAD v4.1: 22 of 1,614,074 alleles (0.0014%); highest among the groups gnomAD compares: East Asian, 0.0045%; no homozygotes.

Submissions (2):

Women's Health and Genetics/Laboratory Corporation of America, LabCorp
Classification: Uncertain significance. Last evaluated: 2026-01-28. Review status: criteria provided, single submitter. Criteria: LabCorp Variant Classification Summary - May 2015. Collection method: clinical testing. Allele origin: germline.
Comment: Variant summary: FAH c.392G>A (p.Arg131Gln) results in a conservative amino acid change in the encoded protein sequence. Algorithms developed to predict the effect of missense changes on protein structure and function are either unavailable or do not agree on the potential impact of this missense change. The variant allele was found at a frequency of 2.4e-05 in 251484 control chromosomes. The available data on variant occurrences in the general population are insufficient to allow any conclusion about variant significance. To our knowledge, no occurrence of c.392G>A in individuals affected with FAH-related conditions and no experimental evidence demonstrating its impact on protein function have been reported. ClinVar contains an entry for this variant (Variation ID: 3511434). Based on the evidence outlined above, the variant was classified as uncertain significance.

Ambry Genetics
Classification: Uncertain significance for Inborn genetic diseases. Last evaluated: 2024-08-05. Review status: criteria provided, single submitter. Criteria: Ambry Variant Classification Scheme 2023. Collection method: clinical testing. Allele origin: germline.